The following is an entry in ClinVar:

NM_015102.5(NPHP4):c.3848C>T (p.Pro1283Leu)

Gene: NPHP4 (nephrocystin 4; minus strand). Cytogenetic location: 1p36.31.
Variant type: single nucleotide variant.
Coding change: c.3848C>T on transcript NM_015102.5 (MANE Select); coding-DNA position 3848, C replaced by T.
Protein change: p.Pro1283Leu; replaces proline 1283 with leucine.
Molecular consequence: missense variant. On other transcripts: non-coding transcript variant (1).
Genome position (GRCh38, 1-based): chr1:5,864,486, G>A on the plus strand (C>T on the coding strand, the complement: NPHP4 is on the minus strand). VCF-style: chr1-5864486-G-A. GRCh37 (hg19) VCF-style: chr1-5924546-G-A.
Other names: c.2309C>T, p.Pro770Leu (NM_001291593.2); c.2312C>T, p.Pro771Leu (NM_001291594.2); short protein forms P1283L, P770L, P771L.
Identifiers: ClinVar variation 1060698 (VCV001060698.6), dbSNP rs765510993, ClinGen allele CA553440.
Genomic context (GRCh38, chr1:5,864,486, plus strand): 5'-ACAAAGCGGCTGCCGGCCCTAAGGGGCCTCACGCCAACATGCAGGTCCTGCACCCCACGA[G>A]GCGGCAGCACGAAGACACCTTTGGGGTCTGTCTTCAAGAGCGAGAGAGGCGGGTCAGAGC-3'
Protein context (NP_055917.1, residues 1273-1293): TDPKGVFVLP[Pro1283Leu]RGVQDLHVGV

ClinVar aggregate classification (germline): Uncertain significance (1 of 4 stars; one submission).

Conditions:
Nephronophthisis. Also called: Juvenile Nephronophthisis. Identifiers: Orphanet 655, MedGen C0687120, MONDO:0019005, HP:0000090.

Allele frequency attached by ClinVar (database versions not stated): gnomAD exomes below 0.00001 and 0.00002; ExAC 0.00002.
gnomAD v4.1: 24 of 1,595,350 alleles (0.0015%); highest among the groups gnomAD compares: Non-Finnish European, 0.0021%; no homozygotes.

Submission:

Labcorp Genetics (formerly Invitae), Labcorp
Classification: Uncertain significance for Nephronophthisis. Last evaluated: 2021-08-31. Review status: criteria provided, single submitter. Criteria: Invitae Variant Classification Sherloc (09022015). Collection method: clinical testing. Allele origin: germline.
Comment: This sequence change replaces proline with leucine at codon 1283 of the NPHP4 protein (p.Pro1283Leu). The proline residue is moderately conserved and there is a moderate physicochemical difference between proline and leucine. This variant is present in population databases (rs765510993, ExAC 0.003%). This variant has not been reported in the literature in individuals affected with NPHP4-related conditions. Algorithms developed to predict the effect of missense changes on protein structure and function are either unavailable or do not agree on the potential impact of this missense change (SIFT: "Deleterious"; PolyPhen-2: "Probably Damaging"; Align-GVGD: "Class C0"). In summary, the available evidence is currently insufficient to determine the role of this variant in disease. Therefore, it has been classified as a Variant of Uncertain Significance.